The following is an entry in ClinVar:

NM_024675.4(PALB2):c.2586+1G>A

Gene: PALB2 (partner and localizer of BRCA2; minus strand). Cytogenetic location: 16p12.2.
Variant type: single nucleotide variant.
Coding change: c.2586+1G>A on transcript NM_024675.4 (MANE Select); the canonical splice donor site of the intron after coding-DNA position 2586, G replaced by A.
Molecular consequence: splice donor variant. On other transcripts: intron variant (1).
Genome position (GRCh38, 1-based): chr16:23,629,203, C>T on the plus strand (G>A on the coding strand, the complement: PALB2 is on the minus strand). VCF-style: chr16-23629203-C-T. GRCh37 (hg19) VCF-style: chr16-23640524-C-T.
Other names: c.1701+1G>A (NM_001407308.1, NM_001407306.1, NM_001407307.1 and 5 more transcripts); c.120+1G>A (NM_001407314.1); c.798+1G>A (NM_001407313.1, NM_001407312.1); c.2526+1G>A (NM_001407296.1); c.2514+437G>A (NM_001407297.1); c.2586+1G>A (NM_001407302.1, NM_001407298.1, NM_001407300.1 and 2 more transcripts).
Identifiers: ClinVar variation 2137799 (VCV002137799.7), dbSNP rs1375713365, ClinGen allele CA395123610.
Genomic context (GRCh38, chr16:23,629,203, plus strand): 5'-TCAGTTCATTAAAGTTTTCATATGTAAGACACGAGACACTGGAAGAGAATATTCTTCTGA[C>T]CTTTAACTCTGAAACCAATTGTAGGTTGCCTGGGTTTATGCTATCAGAAGCAGGAAGCTC-3'

ClinVar aggregate classification (germline): Pathogenic/Likely pathogenic. Review status: criteria provided, multiple submitters, no conflicts (2 of 4 stars). 3 submissions from 3 submitters: Pathogenic (2); Likely pathogenic (1). Last evaluated 2025-03-04.

Conditions:
Familial cancer of breast. Also called: BREAST CANCER, FAMILIAL; Hereditary breast cancer; hereditary breast carcinoma. Identifiers: Orphanet 227535, MedGen C0346153, MONDO:0016419, OMIM 114480. Disease mechanism: loss of function.

Submissions (3):

Center for Genomic Medicine, Rigshospitalet, Copenhagen University Hospital
Classification: Likely pathogenic. Last evaluated: 2025-03-04. Review status: criteria provided, single submitter. Criteria: ACMG Guidelines, 2015. Collection method: clinical testing. Allele origin: germline.

GeneDx
Classification: Pathogenic. Last evaluated: 2024-10-23. Review status: criteria provided, single submitter. Criteria: GeneDx Variant Classification Process June 2021. Collection method: clinical testing. Allele origin: germline. Affected: yes.
Comment: Canonical splice site variant demonstrated to result in skipping of exon 6 in a gene for which loss of function is a known mechanism of disease (PMID: 26990772); Functional studies demonstrated retained ability to interact with BRCA2 and RAD51C foci formation similar to wild-type, but reduced protein expression and stability, indicating a potentially hypomorphic allele (PMID: 26990772); Not observed at significant frequency in large population cohorts (gnomAD); This variant is associated with the following publications: (PMID: 33195396, 34687993, 30890586, 38476606, 31263571, 26990772)

Labcorp Genetics (formerly Invitae), Labcorp
Classification: Pathogenic for Familial cancer of breast. Last evaluated: 2023-12-24. Review status: criteria provided, single submitter. Criteria: Invitae Variant Classification Sherloc (09022015). Collection method: clinical testing. Allele origin: germline.
Comment: This sequence change affects a donor splice site in intron 6 of the PALB2 gene. RNA analysis indicates that disruption of this splice site induces altered splicing and may result in an absent or disrupted protein product. This variant is not present in population databases (gnomAD no frequency). Disruption of this splice site has been observed in individual(s) with Fanconi anemia (PMID: 26990772). In at least one individual the data is consistent with being in trans (on the opposite chromosome) from a pathogenic variant. It has also been observed to segregate with disease in related individuals. ClinVar contains an entry for this variant (Variation ID: 2137799). Studies have shown that disruption of this splice site results in retention of intron 6 and introduces a premature termination codon (Invitae). The resulting mRNA is expected to undergo nonsense-mediated decay. For these reasons, this variant has been classified as Pathogenic.

Literature cited by the submitters: PubMed 26990772 (cited by Center for Genomic Medicine, Rigshospitalet, Copenhagen University Hospital and Labcorp Genetics (formerly Invitae), Labcorp).